The following is an entry in ClinVar:

ClinVar aggregate classification (germline): Uncertain significance (1 of 4 stars; one submission).

Conditions:
BIRC6-related disorder. Also called: BIRC6-related condition.

Submission:

PreventionGenetics, part of Exact Sciences
Classification: Uncertain significance for BIRC6-related condition. Last evaluated: 2023-02-17. Review status: criteria provided, single submitter. Criteria: ACMG Guidelines, 2015. Collection method: clinical testing. Allele origin: germline.
Comment: The BIRC6 c.3224G>A variant is predicted to result in the amino acid substitution p.Arg1075Gln. To our knowledge, this variant has not been reported in the literature or in a large population database, indicating this variant is rare. At this time, the clinical significance of this variant is uncertain due to the absence of conclusive functional and genetic evidence.

NM_016252.4(BIRC6):c.3224G>A (p.Arg1075Gln)

Gene: BIRC6 (baculoviral IAP repeat containing 6; plus strand). Cytogenetic location: 2p22.3.
Variant type: single nucleotide variant.
Coding change: c.3224G>A on transcript NM_016252.4 (MANE Select); coding-DNA position 3224, G replaced by A.
Protein change: p.Arg1075Gln; replaces arginine 1075 with glutamine.
Molecular consequence: missense variant.
Genome position (GRCh38, 1-based): chr2:32,431,066, G>A. VCF-style: chr2-32431066-G-A. GRCh37 (hg19) VCF-style: chr2-32656134-G-A.
Other names: c.3140G>A, p.Arg1047Gln (NM_001378125.1); short protein forms R1047Q, R1075Q.
Identifiers: ClinVar variation 2628566 (VCV002628566.1), dbSNP rs2469398148, ClinGen allele CA346553327.